The following is an entry in ClinVar:

NM_001127644.2(GABRA1):c.587A>G (p.Tyr196Cys)

Gene: GABRA1 (gamma-aminobutyric acid type A receptor subunit alpha1; plus strand). Cytogenetic location: 5q34.
Variant type: single nucleotide variant.
Coding change: c.587A>G on transcript NM_001127644.2 (MANE Select); coding-DNA position 587, A replaced by G.
Protein change: p.Tyr196Cys; replaces tyrosine 196 with cysteine.
Molecular consequence: missense variant.
Genome position (GRCh38, 1-based): chr5:161,882,585, A>G. VCF-style: chr5-161882585-A-G. GRCh37 (hg19) VCF-style: chr5-161309591-A-G.
Other names: c.587A>G, p.Tyr196Cys (NM_000806.5, NM_001127643.2, NM_001127645.2 and 1 more transcripts); short protein forms Y196C.
Identifiers: ClinVar variation 4832976 (VCV004832976.1).
Genomic context (GRCh38, chr5:161,882,585, plus strand): 5'-ATATATGGATCATTTTCTACTGTTTCCTTTTAGATGCTTATACAAGAGCAGAAGTTGTTT[A>G]TGAATGGACCAGAGAGCCAGCACGCTCAGTGGTTGTAGCAGAAGATGGATCACGTCTAAA-3'
Protein context (NP_001121116.1, residues 186-206): SYAYTRAEVV[Tyr196Cys]EWTREPARSV

ClinVar aggregate classification (germline): Likely pathogenic (1 of 4 stars; one submission).

Conditions:
Inborn genetic diseases. Identifiers: MedGen C0950123, MeSH D030342.

Submission:

Ambry Genetics
Classification: Likely pathogenic for Inborn genetic diseases. Last evaluated: 2025-12-23. Review status: criteria provided, single submitter. Criteria: Ambry Variant Classification Scheme 2023. Collection method: clinical testing. Allele origin: germline.
Comment: The c.587A>G (p.Y196C) alteration is located in exon 8 (coding exon 6) of the GABRA1 gene. This alteration results from an A to G substitution at nucleotide position 587, causing the tyrosine (Y) at amino acid position 196 to be replaced by a cysteine (C). This variant was not reported in population-based cohorts in the Genome Aggregation Database (gnomAD). This variant was determined to be de novo in at least one individual with features consistent with GABRA1-related epilepsy (Balciuniene, 2019). This amino acid position is highly conserved in available vertebrate species. This missense alteration is located in a region that has a low rate of benign missense variation (Lek, 2016; Firth, 2009). This alteration is predicted to be deleterious by in silico analysis. Based on the available evidence, this alteration is classified as likely pathogenic.

Literature cited by the submitters: PubMed 30977854.